The following is an entry in ClinVar:

NM_000536.4(RAG2):c.508G>T (p.Glu170Ter)

Gene: RAG2 (recombination activating 2; minus strand). Cytogenetic location: 11p12.
Variant type: single nucleotide variant.
Coding change: c.508G>T on transcript NM_000536.4 (MANE Select); coding-DNA position 508, G replaced by T.
Protein change: p.Glu170Ter; replaces glutamic acid 170 with a stop codon.
Molecular consequence: nonsense.
Genome position (GRCh38, 1-based): chr11:36,593,661, C>A on the plus strand (G>T on the coding strand, the complement: RAG2 is on the minus strand). VCF-style: chr11-36593661-C-A. GRCh37 (hg19) VCF-style: chr11-36615211-C-A.
Other names: c.508G>T, p.Glu170Ter (NM_001243785.2, NM_001243786.2); short protein forms E170*.
Identifiers: ClinVar variation 4814341 (VCV004814341.1).

ClinVar aggregate classification (germline): Likely pathogenic (1 of 4 stars; one submission).

Conditions:
Histiocytic medullary reticulosis. Also called: SEVERE COMBINED IMMUNODEFICIENCY WITH HYPEREOSINOPHILIA; Omenn syndrome. Identifiers: Orphanet 39041, MedGen C2700553, MONDO:0011338, OMIM 603554.

Submission:

Natera, Inc.
Classification: Likely pathogenic for Omenn syndrome. Last evaluated: 2025-08-21. Review status: criteria provided, single submitter. Criteria: Natera Variant Classification Schema (03/2026). Collection method: clinical testing. Allele origin: germline.
Comment: The c.508G>T variant in RAG2 is a nonsense variant predicted to introduce a stop codon at amino acid 170. This variant is expected to result in nonsense mediated decay, truncation, or a dysfunctional protein product. This variant is rare in the general population with a frequency below the threshold expected for the associated phenotype(s). Given the available evidence, this variant is classified as Likely Pathogenic.